The following is an entry in ClinVar:

NM_001918.5(DBT):c.577G>A (p.Gly193Ser)

Gene: DBT (dihydrolipoamide branched chain transacylase E2; minus strand). Cytogenetic location: 1p21.2.
Variant type: single nucleotide variant.
Coding change: c.577G>A on transcript NM_001918.5 (MANE Select); coding-DNA position 577, G replaced by A.
Protein change: p.Gly193Ser; replaces glycine 193 with serine.
Molecular consequence: missense variant.
Genome position (GRCh38, 1-based): chr1:100,216,178, C>T on the plus strand (G>A on the coding strand, the complement: DBT is on the minus strand). VCF-style: chr1-100216178-C-T. GRCh37 (hg19) VCF-style: chr1-100681734-C-T.
Other names: short protein forms G193S.
Identifiers: ClinVar variation 94006 (VCV000094006.13), dbSNP rs398123671, ClinGen allele CA221894.

ClinVar aggregate classification (germline): Uncertain significance. Review status: criteria provided, multiple submitters, no conflicts (2 of 4 stars). 3 submissions from 3 submitters: Uncertain significance (3). Last evaluated 2024-09-16.

Conditions:
Maple syrup urine disease (MSUD). Identifiers: Orphanet 511, MedGen C0024776, MeSH D008375, MONDO:0009563. Disease mechanism: loss of function.

gnomAD v4.1: 1 of 1,613,006 alleles (0.000062%); no homozygotes.

Submissions (3):

Labcorp Genetics (formerly Invitae), Labcorp
Classification: Uncertain significance for Maple syrup urine disease. Last evaluated: 2024-09-16. Review status: criteria provided, single submitter. Criteria: Invitae Variant Classification Sherloc (09022015). Collection method: clinical testing. Allele origin: germline.
Comment: This sequence change replaces glycine, which is neutral and non-polar, with serine, which is neutral and polar, at codon 193 of the DBT protein (p.Gly193Ser). This variant is not present in population databases (gnomAD no frequency). This missense change has been observed in individual(s) with clinical features of DBT-related conditions (internal data). ClinVar contains an entry for this variant (Variation ID: 94006). Invitae Evidence Modeling of protein sequence and biophysical properties (such as structural, functional, and spatial information, amino acid conservation, physicochemical variation, residue mobility, and thermodynamic stability) indicates that this missense variant is expected to disrupt DBT protein function with a positive predictive value of 95%. In summary, the available evidence is currently insufficient to determine the role of this variant in disease. Therefore, it has been classified as a Variant of Uncertain Significance.

Genome-Nilou Lab
Classification: Uncertain significance for Maple syrup urine disease type 1A. Last evaluated: 2021-11-07. Review status: criteria provided, single submitter. Criteria: ACMG Guidelines, 2015. Collection method: clinical testing. Allele origin: germline. Affected: no.

Eurofins Ntd Llc (ga)
Classification: Uncertain significance. Last evaluated: 2013-09-04. Review status: criteria provided, single submitter. Criteria: EGL Classification Definitions 2015. Collection method: clinical testing. Allele origin: germline. Observed: 1 variant allele, 1 heterozygote.